The following is an entry in ClinVar:

NM_001330311.2(DVL1):c.1486G>A (p.Val496Ile)

Gene: DVL1 (dishevelled segment polarity protein 1; minus strand). Cytogenetic location: 1p36.33.
Variant type: single nucleotide variant.
Coding change: c.1486G>A on transcript NM_001330311.2 (MANE Select); coding-DNA position 1486, G replaced by A.
Protein change: p.Val496Ile; replaces valine 496 with isoleucine.
Molecular consequence: missense variant.
Genome position (GRCh38, 1-based): chr1:1,338,290, C>T on the plus strand (G>A on the coding strand, the complement: DVL1 is on the minus strand). VCF-style: chr1-1338290-C-T. GRCh37 (hg19) VCF-style: chr1-1273670-C-T.
Other names: c.1411G>A, p.Val471Ile (NM_004421.3); short protein forms V471I, V496I.
Identifiers: ClinVar variation 2719427 (VCV002719427.5), dbSNP rs762553903, ClinGen allele CA520074.

ClinVar aggregate classification (germline): Uncertain significance. Review status: criteria provided, multiple submitters, no conflicts (2 of 4 stars). 2 submissions from 2 submitters: Uncertain significance (2). Last evaluated 2025-10-13.

Allele frequency attached by ClinVar (database versions not stated): ExAC 0.00002; gnomAD exomes 0.00001; gnomAD 0.00001; TOPMed 0.00002.
gnomAD v4.1: 11 of 1,596,250 alleles (0.00069%); highest among the groups gnomAD compares: African/African-American, 0.0027%; no homozygotes.

Submissions (2):

Dasa
Classification: Uncertain significance. Last evaluated: 2025-10-13. Review status: criteria provided, single submitter. Criteria: DASA Assertion Criteria. Collection method: clinical testing. Allele origin: germline.
Comment: NM_001330311.2(DVL1):c.1486G>A (p.Val496Ile) is a missense variant that results in the substitution of valine with isoleucine. This variant is rare in population databases. Computational prediction algorithms are consistent with a benign effect. The currently available literature and clinical evidence are not sufficient to establish a definitive association between this variant and the reported condition. Therefore, this variant is classified as a variant of uncertain significance.

Labcorp Genetics (formerly Invitae), Labcorp
Classification: Uncertain significance. Last evaluated: 2023-03-14. Review status: criteria provided, single submitter. Criteria: Invitae Variant Classification Sherloc (09022015). Collection method: clinical testing. Allele origin: germline.
Comment: Advanced modeling of protein sequence and biophysical properties (such as structural, functional, and spatial information, amino acid conservation, physicochemical variation, residue mobility, and thermodynamic stability) performed at Invitae indicates that this missense variant is not expected to disrupt DVL1 protein function. This sequence change replaces valine, which is neutral and non-polar, with isoleucine, which is neutral and non-polar, at codon 471 of the DVL1 protein (p.Val471Ile). This variant is present in population databases (rs762553903, gnomAD 0.007%). This variant has not been reported in the literature in individuals affected with DVL1-related conditions. In summary, the available evidence is currently insufficient to determine the role of this variant in disease. Therefore, it has been classified as a Variant of Uncertain Significance.